The following is an entry in ClinVar:

NM_004360.5(CDH1):c.1142A>C (p.Lys381Thr)

Gene: CDH1 (cadherin 1; plus strand). Cytogenetic location: 16q22.1.
Variant type: single nucleotide variant.
Coding change: c.1142A>C on transcript NM_004360.5 (MANE Select); coding-DNA position 1142, A replaced by C.
Protein change: p.Lys381Thr; replaces lysine 381 with threonine.
Molecular consequence: missense variant. On other transcripts: 5 prime UTR variant (2), intron variant (1).
Genome position (GRCh38, 1-based): chr16:68,813,317, A>C. VCF-style: chr16-68813317-A-C. GRCh37 (hg19) VCF-style: chr16-68847220-A-C.
Other names: c.-474A>C (NM_001317185.2); c.-678A>C (NM_001317186.2); c.1137+1054A>C (NM_001317184.2); short protein forms K381T.
Identifiers: ClinVar variation 5033977 (VCV005033977.1).

ClinVar aggregate classification (germline): Uncertain significance (1 of 4 stars; one submission).

Conditions:
Hereditary cancer-predisposing syndrome. Also called: Neoplastic Syndromes, Hereditary; Tumor predisposition; Hereditary neoplastic syndrome; Hereditary Cancer Syndrome. Identifiers: Orphanet 140162, MedGen C0027672, MeSH D009386, MONDO:0015356.

Submission:

Ambry Genetics
Classification: Uncertain significance for Hereditary cancer-predisposing syndrome. Last evaluated: 2026-07-07. Review status: criteria provided, single submitter. Criteria: Ambry Variant Classification Scheme 2023. Collection method: clinical testing. Allele origin: germline.
Comment: The p.K381T variant (also known as c.1142A>C), located in coding exon 9 of the CDH1 gene, results from an A to C substitution at nucleotide position 1142. The lysine at codon 381 is replaced by threonine, an amino acid with similar properties. This amino acid position is conserved. In addition, this alteration is predicted to be tolerated by in silico analysis. Based on the available evidence, the clinical significance of this variant remains unclear.